The following is an entry in ClinVar:

ClinVar aggregate classification (germline): Uncertain significance. Review status: criteria provided, multiple submitters, no conflicts (2 of 4 stars). 2 submissions from 2 submitters: Uncertain significance (2). Last evaluated 2022-11-29.

Conditions:
Hereditary cancer-predisposing syndrome. Also called: Neoplastic Syndromes, Hereditary; Tumor predisposition; Hereditary Cancer Syndrome; Hereditary neoplastic syndrome. Identifiers: Orphanet 140162, MedGen C0027672, MeSH D009386, MONDO:0015356.

Allele frequency attached by ClinVar (database versions not stated): gnomAD exomes below 0.00001; ExAC 0.00001; gnomAD 0.00001.
gnomAD v4.1: 2 of 1,613,922 alleles (0.00012%); highest among the groups gnomAD compares: Non-Finnish European, 0.00017%; no homozygotes.

Submissions (2):

Labcorp Genetics (formerly Invitae), Labcorp
Classification: Uncertain significance for Hereditary cancer-predisposing syndrome. Last evaluated: 2022-11-29. Review status: criteria provided, single submitter. Criteria: Invitae Variant Classification Sherloc (09022015). Collection method: clinical testing. Allele origin: germline.
Comment: Advanced modeling of protein sequence and biophysical properties (such as structural, functional, and spatial information, amino acid conservation, physicochemical variation, residue mobility, and thermodynamic stability) performed at Invitae indicates that this missense variant is not expected to disrupt RAD50 protein function. This sequence change replaces threonine, which is neutral and polar, with alanine, which is neutral and non-polar, at codon 1114 of the RAD50 protein (p.Thr1114Ala). This variant is present in population databases (rs746752117, gnomAD 0.0009%). This variant has not been reported in the literature in individuals affected with RAD50-related conditions. ClinVar contains an entry for this variant (Variation ID: 484667). In summary, the available evidence is currently insufficient to determine the role of this variant in disease. Therefore, it has been classified as a Variant of Uncertain Significance.

Ambry Genetics
Classification: Uncertain significance for Hereditary cancer-predisposing syndrome. Last evaluated: 2020-04-09. Review status: criteria provided, single submitter. Criteria: Ambry Variant Classification Scheme 2023. Collection method: clinical testing. Allele origin: germline.
Comment: The p.T1114A variant (also known as c.3340A>G), located in coding exon 21 of the RAD50 gene, results from an A to G substitution at nucleotide position 3340. The threonine at codon 1114 is replaced by alanine, an amino acid with similar properties. This amino acid position is highly conserved in available vertebrate species. In addition, this alteration is predicted to be deleterious by in silico analysis. Since supporting evidence is limited at this time, the clinical significance of this alteration remains unclear.

NM_005732.4(RAD50):c.3340A>G (p.Thr1114Ala)

Gene: RAD50 (RAD50 double strand break repair protein; plus strand). Cytogenetic location: 5q31.1.
Variant type: single nucleotide variant.
Coding change: c.3340A>G on transcript NM_005732.4 (MANE Select); coding-DNA position 3340, A replaced by G.
Protein change: p.Thr1114Ala; replaces threonine 1114 with alanine.
Molecular consequence: missense variant.
Genome position (GRCh38, 1-based): chr5:132,618,245, A>G. VCF-style: chr5-132618245-A-G. GRCh37 (hg19) VCF-style: chr5-131953937-A-G.
Other names: short protein forms T1114A.
Identifiers: ClinVar variation 484667 (VCV000484667.13), dbSNP rs746752117, ClinGen allele CA3405556.